The following is an entry in ClinVar:

NM_000535.7(PMS2):c.1058C>A (p.Ala353Glu)

Gene: PMS2 (PMS1 homolog 2, mismatch repair system component; minus strand). Cytogenetic location: 7p22.1.
Variant type: single nucleotide variant.
Coding change: c.1058C>A on transcript NM_000535.7 (MANE Select); coding-DNA position 1058, C replaced by A.
Protein change: p.Ala353Glu; replaces alanine 353 with glutamic acid.
Molecular consequence: missense variant. On other transcripts: non-coding transcript variant (1), intron variant (2).
Genome position (GRCh38, 1-based): chr7:5,989,886, G>T on the plus strand (C>A on the coding strand, the complement: PMS2 is on the minus strand). VCF-style: chr7-5989886-G-T. GRCh37 (hg19) VCF-style: chr7-6029517-G-T.
Other names: c.1058C>A (NM_000535.5); c.653C>A, p.Ala218Glu (NM_001322003.2, NM_001322004.2, NM_001322005.2 and 1 more transcripts); c.740C>A, p.Ala247Glu (NM_001322007.2, NM_001322008.2); c.125C>A, p.Ala42Glu (NM_001322011.2, NM_001322012.2); c.485C>A, p.Ala162Glu (NM_001322013.2); c.1058C>A, p.Ala353Glu (NM_001322014.2); c.749C>A, p.Ala250Glu (NM_001322015.2); c.583+2087C>A (NM_001322010.2); and 1 more; short protein forms A162E, A247E, A250E, A353E, A218E, A42E.
Identifiers: ClinVar variation 1502870 (VCV001502870.9), dbSNP rs543676323, ClinGen allele CA366742895.

ClinVar aggregate classification (germline): Uncertain significance. Review status: criteria provided, multiple submitters, no conflicts (2 of 4 stars). 2 submissions from 2 submitters: Uncertain significance (2). Last evaluated 2025-02-21.

Conditions:
Hereditary nonpolyposis colorectal neoplasms. Identifiers: MedGen C0009405, MeSH D003123.
Hereditary cancer-predisposing syndrome. Also called: Hereditary neoplastic syndrome; Tumor predisposition; Neoplastic Syndromes, Hereditary; Hereditary Cancer Syndrome. Identifiers: Orphanet 140162, MedGen C0027672, MeSH D009386, MONDO:0015356.

Submissions (2):

Ambry Genetics
Classification: Uncertain significance for Hereditary cancer-predisposing syndrome. Last evaluated: 2025-02-21. Review status: criteria provided, single submitter. Criteria: Ambry Variant Classification Scheme 2023. Collection method: clinical testing. Allele origin: germline.
Comment: The p.A353E variant (also known as c.1058C>A), located in coding exon 10 of the PMS2 gene, results from a C to A substitution at nucleotide position 1058. The alanine at codon 353 is replaced by glutamic acid, an amino acid with dissimilar properties. This amino acid position is conserved. In addition, this alteration is predicted to be deleterious by in silico analysis. Based on the available evidence, the clinical significance of this variant remains unclear.

Labcorp Genetics (formerly Invitae), Labcorp
Classification: Uncertain significance for Hereditary nonpolyposis colorectal neoplasms. Last evaluated: 2021-03-18. Review status: criteria provided, single submitter. Criteria: Invitae Variant Classification Sherloc (09022015). Collection method: clinical testing. Allele origin: germline.
Comment: This sequence change replaces alanine with glutamic acid at codon 353 of the PMS2 protein (p.Ala353Glu). The alanine residue is highly conserved and there is a moderate physicochemical difference between alanine and glutamic acid. This variant is not present in population databases (ExAC no frequency). This variant has not been reported in the literature in individuals with PMS2-related conditions. Advanced modeling of protein sequence and biophysical properties (such as structural, functional, and spatial information, amino acid conservation, physicochemical variation, residue mobility, and thermodynamic stability) performed at Invitae indicates that this missense variant is not expected to disrupt PMS2 protein function. In summary, the available evidence is currently insufficient to determine the role of this variant in disease. Therefore, it has been classified as a Variant of Uncertain Significance.